The following is an entry in ClinVar:

ClinVar aggregate classification (germline): Likely pathogenic (1 of 4 stars; one submission).

Submission:

GeneDx
Classification: Likely pathogenic. Last evaluated: 2015-11-15. Review status: criteria provided, single submitter. Criteria: GeneDx Variant Classification (06012015). Collection method: clinical testing. Allele origin: germline. Affected: yes.
Comment: The R3H variant in the RPL10 gene has not been reported previously as a pathogenic variant, nor as a benign variant, to our knowledge. The R3H variant was not observed in approximately 6,500 individuals of European and African American ancestry in the NHLBI Exome Sequencing Project, indicating it is not a common benign variant in these populations. The R3H variant is a conservative amino acid substitution, which is not likely to impact secondary protein structure as these residues share similar properties. This substitution occurs at a position that is conserved across species. Functional studies suggest mutagenesis of the R3 residue reduces the interaction of RPL10 with it's chaperone protein, Sqt1 (Pausch et al., 2015). The R3H variant is a strong candidate for a pathogenic variant

NM_006013.5(RPL10):c.8G>A (p.Arg3His)

Gene: RPL10 (ribosomal protein L10; plus strand). Cytogenetic location: Xq28.
Variant type: single nucleotide variant.
Coding change: c.8G>A on transcript NM_006013.5 (MANE Select); coding-DNA position 8, G replaced by A.
Protein change: p.Arg3His; replaces arginine 3 with histidine.
Molecular consequence: missense variant.
Genome position (GRCh38, 1-based): chrX:154,398,527, G>A. VCF-style: chrX-154398527-G-A. GRCh37 (hg19) VCF-style: chrX-153626868-G-A.
Other names: c.8G>A, p.Arg3His (NM_001256577.2, NM_001256580.2, NM_001303624.2 and 2 more transcripts); short protein forms R3H.
Identifiers: ClinVar variation 431945 (VCV000431945.2), dbSNP rs1557184925, ClinGen allele CA415259961.